The following is an entry in ClinVar:

ClinVar aggregate classification (germline): Pathogenic (1 of 4 stars; one submission).

Conditions:
Lynch syndrome 5 (LYNCH5). Also called: Colorectal cancer, hereditary nonpolyposis, type 5; Hereditary non-polyposis colorectal cancer, type 5. Identifiers: Orphanet 144, MedGen C1833477, MONDO:0013710, OMIM 614350. Disease mechanism: loss of function.

Submission:

Myriad Genetics, Inc.
Classification: Pathogenic for Lynch syndrome 5. Last evaluated: 2026-07-21. Review status: criteria provided, single submitter. Criteria: Myriad Autosomal Dominant, Autosomal Recessive and X-Linked Classification Criteria (2023). Collection method: clinical testing. Allele origin: unknown.
Comment: This variant is considered pathogenic. This variant creates a termination codon and is predicted to result in premature protein truncation.

NM_000179.3(MSH6):c.970A>T (p.Lys324Ter)

Gene: MSH6 (mutS homolog 6; plus strand). Cytogenetic location: 2p16.3.
Variant type: single nucleotide variant.
Coding change: c.970A>T on transcript NM_000179.3 (MANE Select); coding-DNA position 970, A replaced by T.
Protein change: p.Lys324Ter; replaces lysine 324 with a stop codon.
Molecular consequence: nonsense. On other transcripts: non-coding transcript variant (4), intron variant (1).
Genome position (GRCh38, 1-based): chr2:47,798,953, A>T. VCF-style: chr2-47798953-A-T. GRCh37 (hg19) VCF-style: chr2-48026092-A-T.
Other names: c.64A>T, p.Lys22Ter (NM_001406815.1, NM_001406816.1, NM_001406823.1 and 6 more transcripts); c.970A>T, p.Lys324Ter (NM_001406817.1, NM_001406808.1, NM_001406809.1 and 4 more transcripts); c.673A>T, p.Lys225Ter (NM_001406818.1, NM_001406819.1, NM_001406820.1 and 10 more transcripts); c.445A>T, p.Lys149Ter (NM_001406806.1, NM_001406807.1, NM_001406799.1); c.976A>T, p.Lys326Ter (NM_001406813.1); c.802A>T, p.Lys268Ter (NM_001406826.1); c.628-1713A>T (NM_001407362.1); c.1066A>T, p.Lys356Ter (NM_001406795.1, NM_001406802.1); and 2 more; short protein forms K149*, K194*, K22*, K225*, K268*, K298*, K324*, K326*.
Identifiers: ClinVar variation 5042078 (VCV005042078.1).
Genomic context (GRCh38, chr2:47,798,953, plus strand): 5'-GTGACTGGAAATGGCTCTCTTAAAAGGAAAAGCTCTAGGAAGGAAACGCCCTCAGCCACC[A>T]AACAAGCAACTAGCATTTCATCAGAAACCAAGAATACTTTGAGAGCTTTCTCTGCCCCTC-3'